The following is an entry in ClinVar:

NM_201384.3(PLEC):c.8053C>T (p.Arg2685Trp)

Gene: PLEC (plectin; minus strand). Cytogenetic location: 8q24.3.
Variant type: single nucleotide variant.
Coding change: c.8053C>T on transcript NM_201384.3 (MANE Select); coding-DNA position 8053, C replaced by T.
Protein change: p.Arg2685Trp; replaces arginine 2685 with tryptophan.
Molecular consequence: missense variant.
Genome position (GRCh38, 1-based): chr8:143,921,768, G>A on the plus strand (C>T on the coding strand, the complement: PLEC is on the minus strand). VCF-style: chr8-143921768-G-A. GRCh37 (hg19) VCF-style: chr8-144995936-G-A.
Other names: c.8134C>T, p.Arg2712Trp (NM_000445.5); c.4753C>T, p.Arg1585Trp (NM_001410941.1); c.8011C>T, p.Arg2671Trp (NM_201378.4); c.7987C>T, p.Arg2663Trp (NM_201379.3); c.8464C>T, p.Arg2822Trp (NM_201380.4); c.7957C>T, p.Arg2653Trp (NM_201381.3); c.8053C>T, p.Arg2685Trp (NM_201382.4); c.8065C>T, p.Arg2689Trp (NM_201383.3); short protein forms R1585W, R2712W, R2685W, R2822W, R2663W, R2671W, R2653W, R2689W.
Identifiers: ClinVar variation 1985272 (VCV001985272.7), dbSNP rs782453907, ClinGen allele CA4925438.
Genomic context (GRCh38, chr8:143,921,768, plus strand): 5'-CCTTCAGCAACAGCCCTGCGATACTGCTGCGGCCCTGCAGGTAGTGGCGCACGTCTTCCC[G>A]CCGTGCGAGCTCGTCCACCGTGGTGTGGCCCTGCGCCAACCGCTGCAGCTCCTCCGCACT-3'
Protein context (NP_958786.1, residues 2675-2695): GHTTVDELAR[Arg2685Trp]EDVRHYLQGR

ClinVar aggregate classification (germline): Uncertain significance. Review status: criteria provided, multiple submitters, no conflicts (2 of 4 stars). 2 submissions from 2 submitters: Uncertain significance (2). Last evaluated 2022-11-05.

Conditions:
Epidermolysis bullosa simplex 5B, with muscular dystrophy (EBS5B). Also called: EPIDERMOLYSIS BULLOSA SIMPLEX AND LIMB-GIRDLE MUSCULAR DYSTROPHY; Epidermolysis bullosa simplex with muscular dystrophy. Identifiers: Orphanet 257, MedGen C2931072, MONDO:0009181, OMIM 226670.
Epidermolysis bullosa simplex, Ogna type (EBS5A). Also called: EPIDERMOLYSIS BULLOSA SIMPLEX 5A, OGNA TYPE; Pidermolysis bullosa simplex 5A, Ogna type. Identifiers: Orphanet 79401, MedGen C0432317, MONDO:0007555, OMIM 131950.
Epidermolysis bullosa simplex 5C, with pyloric atresia (EBS5C). Also called: PLEC-Related Epidermolysis Bullosa with Pyloric Atresia; Epidermolysis bullosa simplex with pyloric atresia; PLEC1-Related Epidermolysis Bullosa with Pyloric Atresia. Identifiers: Orphanet 158684, MedGen C2677349, MONDO:0012807, OMIM 612138.
Autosomal recessive limb-girdle muscular dystrophy type 2Q (LGMDR17). Also called: MUSCULAR DYSTROPHY, LIMB-GIRDLE, AUTOSOMAL RECESSIVE 17. Identifiers: Orphanet 254361, MedGen C3150989, MONDO:0013390, OMIM 613723.
Epidermolysis bullosa simplex with nail dystrophy (EBS5D). Identifiers: MedGen C4225309, MONDO:0014661, OMIM 616487.

Allele frequency attached by ClinVar (database versions not stated): ExAC 0.00003; gnomAD 0.00003; TOPMed 0.00003.
gnomAD v4.1: 43 of 1,611,824 alleles (0.0027%); highest among the groups gnomAD compares: Admixed American, 0.0083%; no homozygotes.

Submissions (2):

Labcorp Genetics (formerly Invitae), Labcorp
Classification: Uncertain significance for Autosomal recessive limb-girdle muscular dystrophy type 2Q; Epidermolysis bullosa simplex, Ogna type; Epidermolysis bullosa simplex with nail dystrophy; Epidermolysis bullosa simplex 5C, with pyloric atresia; Epidermolysis bullosa simplex 5B, with muscular dystrophy. Last evaluated: 2022-11-05. Review status: criteria provided, single submitter. Criteria: Invitae Variant Classification Sherloc (09022015). Collection method: clinical testing. Allele origin: germline.
Comment: In summary, the available evidence is currently insufficient to determine the role of this variant in disease. Therefore, it has been classified as a Variant of Uncertain Significance. Algorithms developed to predict the effect of missense changes on protein structure and function are either unavailable or do not agree on the potential impact of this missense change (SIFT: "Deleterious"; PolyPhen-2: "Benign"; Align-GVGD: "Class C15"). This variant has not been reported in the literature in individuals affected with PLEC-related conditions. This variant is present in population databases (rs782453907, gnomAD 0.02%). This sequence change replaces arginine, which is basic and polar, with tryptophan, which is neutral and slightly polar, at codon 2712 of the PLEC protein (p.Arg2712Trp).

Revvity Omics, Revvity
Classification: Uncertain significance. Last evaluated: 2020-07-20. Review status: criteria provided, single submitter. Criteria: ACMG Guidelines, 2015. Collection method: clinical testing. Allele origin: germline.